The following is an entry in ClinVar:

ClinVar aggregate classification (germline): Uncertain significance (1 of 4 stars; one submission).

Conditions:
Hereditary cancer-predisposing syndrome. Also called: Neoplastic Syndromes, Hereditary; Tumor predisposition; Hereditary neoplastic syndrome; Hereditary Cancer Syndrome. Identifiers: Orphanet 140162, MedGen C0027672, MeSH D009386, MONDO:0015356.

Submission:

Ambry Genetics
Classification: Uncertain significance for Hereditary cancer-predisposing syndrome. Last evaluated: 2026-07-07. Review status: criteria provided, single submitter. Criteria: Ambry Variant Classification Scheme 2023. Collection method: clinical testing. Allele origin: germline.
Comment: The p.S251A variant (also known as c.751T>G), located in coding exon 1 of the AXIN2 gene, results from a T to G substitution at nucleotide position 751. The serine at codon 251 is replaced by alanine, an amino acid with similar properties. This amino acid position is conserved. In addition, this alteration is predicted to be tolerated by in silico analysis. Based on the available evidence, the clinical significance of this variant remains unclear.

NM_004655.4(AXIN2):c.751T>G (p.Ser251Ala)

Gene: AXIN2 (axin 2; minus strand). Cytogenetic location: 17q24.1.
Variant type: single nucleotide variant.
Coding change: c.751T>G on transcript NM_004655.4 (MANE Select); coding-DNA position 751, T replaced by G.
Protein change: p.Ser251Ala; replaces serine 251 with alanine.
Molecular consequence: missense variant.
Genome position (GRCh38, 1-based): chr17:65,557,870, A>C on the plus strand (T>G on the coding strand, the complement: AXIN2 is on the minus strand). VCF-style: chr17-65557870-A-C. GRCh37 (hg19) VCF-style: chr17-63553988-A-C.
Other names: c.751T>G, p.Ser251Ala (NM_001363813.1); short protein forms S251A.
Identifiers: ClinVar variation 5032617 (VCV005032617.1).
Genomic context (GRCh38, chr17:65,557,870, plus strand): 5'-ATCCACTGTCAACAGTTTCCGTGGACCTCACACTCGCCGTGGCCCTCAGAGTTTTGCTGG[A>C]CAAGCCAACCACGGTTGGCGAAAGTTTGCACTTGAAGTCGGCACAAGTCCACTCCTCTTC-3'
Protein context (NP_004646.3, residues 241-261): CKLSPTVVGL[Ser251Ala]SKTLRATASV